The following is an entry in ClinVar:

NM_000143.4(FH):c.515A>G (p.Lys172Arg)

Gene: FH (fumarate hydratase; minus strand). Cytogenetic location: 1q43.
Variant type: single nucleotide variant.
Coding change: c.515A>G on transcript NM_000143.4 (MANE Select); coding-DNA position 515, A replaced by G.
Protein change: p.Lys172Arg; replaces lysine 172 with arginine.
Molecular consequence: missense variant.
Genome position (GRCh38, 1-based): chr1:241,512,007, T>C on the plus strand (A>G on the coding strand, the complement: FH is on the minus strand). VCF-style: chr1-241512007-T-C. GRCh37 (hg19) VCF-style: chr1-241675307-T-C.
Other names: short protein forms K172R.
Identifiers: ClinVar variation 1467879 (VCV001467879.6), dbSNP rs2147921824, ClinGen allele CA345439930.
Genomic context (GRCh38, chr1:241,512,007, plus strand): 5'-AGCAAAGCTCACATACTGACCTGGCTTTTATTAACATGATCGTTGGGATGCACAGGTATC[T>C]TGCTGCCAAGTTCACCTCCTAACATTTCAATTGCTCTATTGCTAATGACTTCATTTACAT-3'
Protein context (NP_000134.2, residues 162-182): IEMLGGELGS[Lys172Arg]IPVHPNDHVN

ClinVar aggregate classification (germline): Uncertain significance (1 of 4 stars; one submission).

Submission:

Labcorp Genetics (formerly Invitae), Labcorp
Classification: Uncertain significance. Last evaluated: 2024-08-13. Review status: criteria provided, single submitter. Criteria: Invitae Variant Classification Sherloc (09022015). Collection method: clinical testing. Allele origin: germline.
Comment: This sequence change replaces lysine, which is basic and polar, with arginine, which is basic and polar, at codon 172 of the FH protein (p.Lys172Arg). This variant is not present in population databases (gnomAD no frequency). This variant has not been reported in the literature in individuals affected with FH-related conditions. ClinVar contains an entry for this variant (Variation ID: 1467879). Advanced modeling of protein sequence and biophysical properties (such as structural, functional, and spatial information, amino acid conservation, physicochemical variation, residue mobility, and thermodynamic stability) performed at Invitae indicates that this missense variant is expected to disrupt FH protein function with a positive predictive value of 80%. In summary, the available evidence is currently insufficient to determine the role of this variant in disease. Therefore, it has been classified as a Variant of Uncertain Significance.